The following is an entry in ClinVar:

ClinVar aggregate classification (germline): Benign/Likely benign. Review status: criteria provided, multiple submitters, no conflicts (2 of 4 stars). 3 submissions from 3 submitters: Benign (1); Likely benign (1). 1 of the submissions does not count toward it. Last evaluated 2026-01-12.

Conditions:
SACS-related disorder. Also called: SACS-related condition.
Spastic paraplegia. Identifiers: MedGen C0037772, HP:0001258.

Allele frequency attached by ClinVar (database versions not stated): gnomAD exomes 0.00004 and 0.00009; ExAC 0.00012; 1000 Genomes Project 30x 0.00031; gnomAD 0.00034 and 0.00035; 1000 Genomes Project 0.00040; TOPMed 0.00040; ESP Exome Variant Server 0.00077.
gnomAD v4.1: 107 of 1,614,022 alleles (0.0066%); highest among the groups gnomAD compares: African/African-American, 0.12%; no homozygotes.

Submissions (3):

Labcorp Genetics (formerly Invitae), Labcorp
Classification: Likely benign for Spastic paraplegia. Last evaluated: 2026-01-12. Review status: criteria provided, single submitter. Criteria: Invitae Variant Classification Sherloc (09022015). Collection method: clinical testing. Allele origin: germline.

Athena Diagnostics
Classification: Benign. Last evaluated: 2020-09-24. Review status: criteria provided, single submitter. Criteria: Athena Diagnostics criteria. Collection method: clinical testing. Allele origin: unknown.

PreventionGenetics, part of Exact Sciences
Classification: Likely benign for SACS-related condition. Last evaluated: 2019-03-21. Review status: no assertion criteria provided. Collection method: clinical testing. Allele origin: germline. Not counted in ClinVar's aggregate classification.
Comment: This variant is classified as likely benign based on ACMG/AMP sequence variant interpretation guidelines (Richards et al. 2015 PMID: 25741868, with internal and published modifications).

NM_014363.6(SACS):c.3828A>G (p.Pro1276=)

Gene: SACS (sacsin molecular chaperone; minus strand). Cytogenetic location: 13q12.12.
Variant type: single nucleotide variant.
Coding change: c.3828A>G on transcript NM_014363.6 (MANE Select); coding-DNA position 3828, A replaced by G.
Protein change: p.Pro1276=; no amino-acid change (proline 1276 retained).
Molecular consequence: synonymous variant.
Genome position (GRCh38, 1-based): chr13:23,340,048, T>C on the plus strand (A>G on the coding strand, the complement: SACS is on the minus strand). VCF-style: chr13-23340048-T-C. GRCh37 (hg19) VCF-style: chr13-23914187-T-C.
Other names: c.3387A>G, p.Pro1129= (NM_001278055.2).
Identifiers: ClinVar variation 700987 (VCV000700987.14), dbSNP rs369988818, ClinGen allele CA6911468.